The following is an entry in ClinVar:

NM_000038.6(APC):c.6297T>C (p.Phe2099=)

Gene: APC (APC regulator of Wnt signaling pathway; plus strand). Cytogenetic location: 5q22.2.
Variant type: single nucleotide variant.
Coding change: c.6297T>C on transcript NM_000038.6 (MANE Select); coding-DNA position 6297, T replaced by C.
Protein change: p.Phe2099=; no amino-acid change (phenylalanine 2099 retained).
Molecular consequence: synonymous variant.
Genome position (GRCh38, 1-based): chr5:112,841,891, T>C. VCF-style: chr5-112841891-T-C. GRCh37 (hg19) VCF-style: chr5-112177588-T-C.
Other names: c.6297T>C, p.Phe2099= (NM_001127510.3, NM_001354895.2); c.6243T>C, p.Phe2081= (NM_001127511.3); c.6351T>C, p.Phe2117= (NM_001354896.2); c.6327T>C, p.Phe2109= (NM_001354897.2); c.6222T>C, p.Phe2074= (NM_001354898.2); c.6213T>C, p.Phe2071= (NM_001354899.2); c.6174T>C, p.Phe2058= (NM_001354900.2); c.6120T>C, p.Phe2040= (NM_001354901.2); and 5 more.
Identifiers: ClinVar variation 1558112 (VCV001558112.9), dbSNP rs2149961723, ClinGen allele CA446209512.
Genomic context (GRCh38, chr5:112,841,891, plus strand): 5'-TTTGAAAGATATACAGAGACCAGATTCAGAACATGGTCTATCCCCTGATTCAGAAAATTT[T>C]GATTGGAAAGCTATTCAGGAAGGTGCAAATTCCATAGTAAGTAGTTTACATCAAGCTGCT-3'
Protein context (NP_000029.2, residues 2089-2109): EHGLSPDSEN[Phe2099=]DWKAIQEGAN

ClinVar aggregate classification (germline): Benign/Likely benign. Review status: criteria provided, multiple submitters, no conflicts (2 of 4 stars). 2 submissions from 2 submitters: Benign (1); Likely benign (1). Last evaluated 2025-11-26.

Conditions:
Familial adenomatous polyposis 1 (FAP1). Also called: POLYPOSIS, ADENOMATOUS INTESTINAL; FAMILIAL ADENOMATOUS POLYPOSIS 1, ATTENUATED. Identifiers: MedGen C2713442, MONDO:0021056, OMIM 175100. Disease mechanism: loss of function.

Submissions (2):

Labcorp Genetics (formerly Invitae), Labcorp
Classification: Likely benign for Familial adenomatous polyposis 1. Last evaluated: 2025-11-26. Review status: criteria provided, single submitter. Criteria: Invitae Variant Classification Sherloc (09022015). Collection method: clinical testing. Allele origin: germline.

Myriad Genetics, Inc.
Classification: Benign for Familial adenomatous polyposis 1. Last evaluated: 2024-04-04. Review status: criteria provided, single submitter. Criteria: Myriad Autosomal Dominant, Autosomal Recessive and X-Linked Classification Criteria (2023). Collection method: clinical testing. Allele origin: unknown.
Comment: This variant is considered benign. This variant is a silent/synonymous amino acid change and it is not expected to impact splicing.